The following is an entry in ClinVar:

NM_001232.4(CASQ2):c.808A>T (p.Ile270Phe)

Gene: CASQ2 (calsequestrin 2; minus strand). Cytogenetic location: 1p13.1.
Variant type: single nucleotide variant.
Coding change: c.808A>T on transcript NM_001232.4 (MANE Select); coding-DNA position 808, A replaced by T.
Protein change: p.Ile270Phe; replaces isoleucine 270 with phenylalanine.
Molecular consequence: missense variant.
Genome position (GRCh38, 1-based): chr1:115,717,870, T>A on the plus strand (A>T on the coding strand, the complement: CASQ2 is on the minus strand). VCF-style: chr1-115717870-T-A. GRCh37 (hg19) VCF-style: chr1-116260491-T-A.
Other names: short protein forms I270F.
Identifiers: ClinVar variation 2200171 (VCV002200171.4), dbSNP rs1347814375, ClinGen allele CA341767864.
Genomic context (GRCh38, chr1:115,717,870, plus strand): 5'-CTGTAAAAGAGCAGGTTGAAGGTTTCCTACCTGGATCACTCTTCTCTGCAAAGGCCACAA[T>A]GTGGATCCCATTCAAATCATCTTCCTGTATGAGAAAAGTAACAAAAGTTACACTTCCAGC-3'
Protein context (NP_001223.2, residues 260-280): TWEDDLNGIH[Ile270Phe]VAFAEKSDPD

ClinVar aggregate classification (germline): Uncertain significance (1 of 4 stars; one submission).

Conditions:
Catecholaminergic polymorphic ventricular tachycardia 1. Also called: VENTRICULAR TACHYCARDIA, STRESS-INDUCED POLYMORPHIC 1; VENTRICULAR TACHYCARDIA, CATECHOLAMINERGIC POLYMORPHIC, 1, WITH OR WITHOUT ATRIAL DYSFUNCTION AND/OR DILATED CARDIOMYOPATHY; RYR2-Related Catecholaminergic Polymorphic Ventricular Tachycardia. Identifiers: Orphanet 3286, MedGen C1631597, MONDO:0011484, OMIM 604772.

Submission:

Labcorp Genetics (formerly Invitae), Labcorp
Classification: Uncertain significance for Catecholaminergic polymorphic ventricular tachycardia 1. Last evaluated: 2022-04-01. Review status: criteria provided, single submitter. Criteria: Invitae Variant Classification Sherloc (09022015). Collection method: clinical testing. Allele origin: germline.
Comment: This variant is not present in population databases (gnomAD no frequency). This variant has not been reported in the literature in individuals affected with CASQ2-related conditions. Algorithms developed to predict the effect of missense changes on protein structure and function are either unavailable or do not agree on the potential impact of this missense change (SIFT: "Deleterious"; PolyPhen-2: "Possibly Damaging"; Align-GVGD: "Class C15"). In summary, the available evidence is currently insufficient to determine the role of this variant in disease. Therefore, it has been classified as a Variant of Uncertain Significance. This sequence change replaces isoleucine, which is neutral and non-polar, with phenylalanine, which is neutral and non-polar, at codon 270 of the CASQ2 protein (p.Ile270Phe).